The following is an entry in ClinVar:

ClinVar aggregate classification (germline): Uncertain significance (1 of 4 stars; one submission).

Submission:

Labcorp Genetics (formerly Invitae), Labcorp
Classification: Uncertain significance. Last evaluated: 2024-09-19. Review status: criteria provided, single submitter. Criteria: Invitae Variant Classification Sherloc (09022015). Collection method: clinical testing. Allele origin: germline.
Comment: This sequence change replaces glycine, which is neutral and non-polar, with serine, which is neutral and polar, at codon 43 of the SH3KBP1 protein (p.Gly43Ser). This variant is present in population databases (rs370417216, gnomAD 0.006%). This variant has not been reported in the literature in individuals affected with SH3KBP1-related conditions. Invitae Evidence Modeling of protein sequence and biophysical properties (such as structural, functional, and spatial information, amino acid conservation, physicochemical variation, residue mobility, and thermodynamic stability) indicates that this missense variant is expected to disrupt SH3KBP1 protein function with a positive predictive value of 80%. In summary, the available evidence is currently insufficient to determine the role of this variant in disease. Therefore, it has been classified as a Variant of Uncertain Significance.

NM_031892.3(SH3KBP1):c.127G>A (p.Gly43Ser)

Gene: SH3KBP1 (SH3 domain containing kinase binding protein 1; minus strand). Cytogenetic location: Xp22.12.
Variant type: single nucleotide variant.
Coding change: c.127G>A on transcript NM_031892.3 (MANE Select); coding-DNA position 127, G replaced by A.
Protein change: p.Gly43Ser; replaces glycine 43 with serine.
Molecular consequence: missense variant.
Genome position (GRCh38, 1-based): chrX:19,836,160, C>T on the plus strand (G>A on the coding strand, the complement: SH3KBP1 is on the minus strand). VCF-style: chrX-19836160-C-T. GRCh37 (hg19) VCF-style: chrX-19854278-C-T.
Other names: c.127G>A, p.Gly43Ser (NM_001353890.2, NM_001353891.2, NM_001353892.2 and 2 more transcripts); short protein forms G43S.
Identifiers: ClinVar variation 3710697 (VCV003710697.2).